The following is an entry in ClinVar:

ClinVar aggregate classification (germline): Likely pathogenic (1 of 4 stars; one submission).

Submission:

Labcorp Genetics (formerly Invitae), Labcorp
Classification: Likely pathogenic. Last evaluated: 2024-02-07. Review status: criteria provided, single submitter. Criteria: Invitae Variant Classification Sherloc (09022015). Collection method: clinical testing. Allele origin: germline.
Comment: This sequence change affects a donor splice site in intron 7 of the COX15 gene. It is expected to disrupt RNA splicing. Variants that disrupt the donor or acceptor splice site typically lead to a loss of protein function (PMID: 16199547), and loss-of-function variants in COX15 are known to be pathogenic (PMID: 15863660, 21412973). This variant is not present in population databases (gnomAD no frequency). This variant has not been reported in the literature in individuals affected with COX15-related conditions. Algorithms developed to predict the effect of sequence changes on RNA splicing suggest that this variant may disrupt the consensus splice site. In summary, the currently available evidence indicates that the variant is pathogenic, but additional data are needed to prove that conclusively. Therefore, this variant has been classified as Likely Pathogenic.

Literature cited by the submitters: PubMed 16199547; PubMed 15863660; PubMed 21412973.

NM_078470.6(COX15):c.987+1G>C

Gene: COX15 (cytochrome c oxidase assembly factor COX15; minus strand). Cytogenetic location: 10q24.2.
Variant type: single nucleotide variant.
Coding change: c.987+1G>C on transcript NM_078470.6 (MANE Select); the canonical splice donor site of the intron after coding-DNA position 987, G replaced by C.
Molecular consequence: splice donor variant. On other transcripts: intron variant (2).
Genome position (GRCh38, 1-based): chr10:99,718,345, C>G on the plus strand (G>C on the coding strand, the complement: COX15 is on the minus strand). VCF-style: chr10-99718345-C-G. GRCh37 (hg19) VCF-style: chr10-101478102-C-G.
Other names: c.450+1G>C (NM_001320976.2); c.960+1G>C (NM_001372026.1); c.833-1884G>C (NM_001372028.1, NM_001320975.2); c.987+1G>C (NM_001372027.1, NM_004376.7, NM_001372024.1 and 2 more transcripts).
Identifiers: ClinVar variation 3639592 (VCV003639592.2).